The following is an entry in ClinVar:

NM_213720.3(CHCHD10):c.378C>T (p.Ser126=)

Gene: CHCHD10 (coiled-coil-helix-coiled-coil-helix domain containing 10; minus strand). Cytogenetic location: 22q11.23.
Variant type: single nucleotide variant.
Coding change: c.378C>T on transcript NM_213720.3 (MANE Select); coding-DNA position 378, C replaced by T.
Protein change: p.Ser126=; no amino-acid change (serine 126 retained).
Molecular consequence: synonymous variant. On other transcripts: non-coding transcript variant (2).
Genome position (GRCh38, 1-based): chr22:23,766,159, G>A on the plus strand (C>T on the coding strand, the complement: CHCHD10 is on the minus strand). VCF-style: chr22-23766159-G-A. GRCh37 (hg19) VCF-style: chr22-24108346-G-A.
Other names: c.399C>T, p.Ser133= (NM_001301339.2).
Identifiers: ClinVar variation 473427 (VCV000473427.54), dbSNP rs199579266, ClinGen allele CA10145251.

ClinVar aggregate classification (germline): Likely benign. Review status: criteria provided, multiple submitters, no conflicts (2 of 4 stars). 5 submissions from 5 submitters: Likely benign (4). 1 of the submissions does not count toward it. Last evaluated 2025-10-08.

Conditions:
Lower motor neuron syndrome with late-adult onset (SMAJ). Also called: Late-Onset Spinal Motor Neuronopathy (SMAJ); Spinal muscular atrophy, Jokela type. Identifiers: Orphanet 276435, MedGen C3554398, MONDO:0014025, OMIM 615048.
Autosomal dominant mitochondrial myopathy with exercise intolerance (IMMD). Also called: Myopathy, isolated mitochondrial, autosomal dominant. Identifiers: Orphanet 457050, MedGen C4015513, MONDO:0014532, OMIM 616209.
Frontotemporal dementia and/or amyotrophic lateral sclerosis 2. Also called: FTDALS2. Identifiers: Orphanet 275872, MedGen C4014648, MONDO:0014395, OMIM 615911.
Inborn genetic diseases. Identifiers: MedGen C0950123, MeSH D030342.
CHCHD10-related disorder. Also called: CHCHD10-Related Disorders; CHCHD10-related condition. Identifiers: MedGen CN381526.

Allele frequency attached by ClinVar (database versions not stated): gnomAD 0.00011 and 0.00012; ExAC 0.00014; TOPMed 0.00014; gnomAD exomes 0.00015 and 0.00030; ESP Exome Variant Server 0.00031.
gnomAD v4.1: 462 of 1,613,280 alleles (0.029%); highest among the groups gnomAD compares: Non-Finnish European, 0.036%; no homozygotes.

Submissions (6):

Labcorp Genetics (formerly Invitae), Labcorp
Classification: Likely benign for Lower motor neuron syndrome with late-adult onset; Frontotemporal dementia and/or amyotrophic lateral sclerosis 2; Autosomal dominant mitochondrial myopathy with exercise intolerance. Last evaluated: 2025-10-08. Review status: criteria provided, single submitter. Criteria: Invitae Variant Classification Sherloc (09022015). Collection method: clinical testing. Allele origin: germline.

Blueprint Genetics
Classification: Likely benign. Last evaluated: 2024-03-11. Review status: criteria provided, single submitter. Criteria: ACMG Guidelines, 2015. Collection method: clinical testing. Allele origin: germline.

CeGaT Center for Human Genetics Tuebingen
Classification: Likely benign. Last evaluated: 2021-06-01. Review status: criteria provided, single submitter. Criteria: CeGaT Center For Human Genetics Tuebingen Variant Classification Criteria Version 2. Collection method: clinical testing. Allele origin: germline. Affected: yes. Observed: 3 variant alleles.

Ambry Genetics
Classification: Likely benign for Inborn genetic diseases. Last evaluated: 2019-07-11. Review status: criteria provided, single submitter. Criteria: Ambry Variant Classification Scheme 2023. Collection method: clinical testing. Allele origin: germline.

PreventionGenetics, part of Exact Sciences
Classification: Likely benign for CHCHD10-related condition. Last evaluated: 2019-05-02. Review status: no assertion criteria provided. Collection method: clinical testing. Allele origin: germline. Not counted in ClinVar's aggregate classification.
Comment: This variant is classified as likely benign based on ACMG/AMP sequence variant interpretation guidelines (Richards et al. 2015 PMID: 25741868, with internal and published modifications).

Dr. Peter K. Rogan Lab, Western University
No classification provided (evidence only). Condition: Clear cell carcinoma of kidney. Review status: no classification provided. Collection method: in vitro. Allele origin: not applicable. Functional consequence: retained intron. Not counted in ClinVar's aggregate classification.